The following is an entry in ClinVar:

NR_130722.1(TLX1NB):n.1619del

Gene: TLX1NB (TLX1 neighbor; minus strand). Cytogenetic location: 10q24.31.
Variant type: Deletion.
Molecular consequence: non-coding transcript variant (on NR_130722.1).
Genome position: GRCh38 VCF-style: chr10-101089612-CT-C. GRCh37 (hg19) VCF-style: chr10-102849369-CT-C.
Identifiers: ClinVar variation 2640768 (VCV002640768.24), dbSNP rs200664029, ClinGen allele CA5655317.

ClinVar aggregate classification (germline): Likely benign (1 of 4 stars; one submission).

Allele frequency attached by ClinVar (database versions not stated): 1000 Genomes Project 0.00140; TOPMed 0.00476; gnomAD 0.00501; ESP Exome Variant Server 0.00721; gnomAD exomes 0.00746; ExAC 0.00928.

Submission:

CeGaT Center for Human Genetics Tuebingen
Classification: Likely benign. Last evaluated: 2022-12-01. Review status: criteria provided, single submitter. Criteria: CeGaT Center For Human Genetics Tuebingen Variant Classification Criteria Version 2. Collection method: clinical testing. Allele origin: germline. Affected: yes. Observed: 1 variant allele.
Comment: TLX1NB: BS2